The following is an entry in ClinVar:

ClinVar aggregate classification (germline): Uncertain significance (1 of 4 stars; one submission).

Conditions:
Inborn genetic diseases. Identifiers: MedGen C0950123, MeSH D030342.

gnomAD v4.1: 1 of 1,614,134 alleles (0.000062%); highest among the groups gnomAD compares: Non-Finnish European, 0.000085%; no homozygotes.

Submission:

Ambry Genetics
Classification: Uncertain significance for Inborn genetic diseases. Last evaluated: 2022-11-19. Review status: criteria provided, single submitter. Criteria: Ambry Variant Classification Scheme 2023. Collection method: clinical testing. Allele origin: germline.
Comment: The p.H905Q variant (also known as c.2715C>G), located in coding exon 19 of the LTBP3 gene, results from a C to G substitution at nucleotide position 2715. The histidine at codon 905 is replaced by glutamine, an amino acid with highly similar properties. This amino acid position is conserved. In addition, this alteration is predicted to be tolerated by in silico analysis. Since supporting evidence is limited at this time, the clinical significance of this alteration remains unclear.

NM_001130144.3(LTBP3):c.2715C>G (p.His905Gln)

Gene: LTBP3 (latent transforming growth factor beta binding protein 3; minus strand). Cytogenetic location: 11q13.1.
Variant type: single nucleotide variant.
Coding change: c.2715C>G on transcript NM_001130144.3 (MANE Select); coding-DNA position 2715, C replaced by G.
Protein change: p.His905Gln; replaces histidine 905 with glutamine.
Molecular consequence: missense variant.
Genome position (GRCh38, 1-based): chr11:65,541,610, G>C on the plus strand (C>G on the coding strand, the complement: LTBP3 is on the minus strand). VCF-style: chr11-65541610-G-C. GRCh37 (hg19) VCF-style: chr11-65309081-G-C.
Other names: c.2364C>G, p.His788Gln (NM_001164266.1); c.2715C>G, p.His905Gln (NM_021070.4); short protein forms H905Q, H788Q.
Identifiers: ClinVar variation 2447582 (VCV002447582.2), dbSNP rs954989618, ClinGen allele CA224010773.
Genomic context (GRCh38, chr11:65,541,610, plus strand): 5'-CAGCTCAGGGGAGTTGTCCAGTCCGAGGGAGGAGCTGGGAGGACACTCACCCTCACAACC[G>C]TGCTGGTCCTGGGTGGGAGTGAAGCCCTCATCGCAGACACACACATAGGAGCCCTGAAGG-3'
Protein context (NP_001123616.1, residues 895-915): DEGFTPTQDQ[His905Gln]GCEEVEQPHH